The following is an entry in ClinVar:

NM_007294.4(BRCA1):c.2579_2588del (p.Thr860fs)

Gene: BRCA1 (BRCA1 DNA repair associated; minus strand). Cytogenetic location: 17q21.31.
Variant type: Deletion.
Coding change: c.2579_2588del on transcript NM_007294.4 (MANE Select); coding-DNA positions 2579 to 2588, 10 bases deleted (CATTCAAGGT; older notation c.2579_2588delCATTCAAGGT).
Protein change: p.Thr860fs; shifts the reading frame from threonine 860.
Molecular consequence: frameshift variant. On other transcripts: intron variant (137).
Genome position (GRCh38, 1-based): chr17:43,092,943-43,092,952, ACCTTGAATG deleted on the plus strand (CATTCAAGGT on the coding strand, the reverse complement: BRCA1 is on the minus strand). VCF-style (leftmost placement, unchanged base first): chr17-43092942-AACCTTGAATG-A. GRCh37 (hg19) VCF-style: chr17-41244959-AACCTTGAATG-A.
Other names: c.2315_2324del, p.Thr772fs (NM_001407928.1, NM_001407929.1, NM_001407933.1 and 9 more transcripts); c.2312_2321del, p.Thr771fs (NM_001407930.1, NM_001407931.1, NM_001407934.1 and 2 more transcripts); c.668-1920_668-1911del (NM_001408421.1, NM_001408431.1, NM_001408424.1); c.784+1792_784+1801del (NM_001407991.1, NM_001408407.1, NM_001408402.1 and 13 more transcripts); c.664+1792_664+1801del (NM_001408427.1, NM_001408443.1, NM_001408439.1 and 12 more transcripts); c.523+1792_523+1801del (NM_001408496.1, NM_001408499.1, NM_001408498.1 and 3 more transcripts); c.646+1792_646+1801del (NM_001408460.1, NM_001408454.1, NM_001408456.1 and 11 more transcripts); c.706+1792_706+1801del (NM_001408413.1, NM_001408416.1); and 42 more; short protein forms T564fs, T733fs, T748fs, T771fs, T789fs, T790fs, T793fs, T813fs.
Identifiers: ClinVar variation 3481832 (VCV003481832.1).

ClinVar aggregate classification (germline): Pathogenic (1 of 4 stars; one submission).

Conditions:
Hereditary cancer-predisposing syndrome. Also called: Tumor predisposition; Neoplastic Syndromes, Hereditary; Hereditary Cancer Syndrome; Hereditary neoplastic syndrome. Identifiers: Orphanet 140162, MedGen C0027672, MeSH D009386, MONDO:0015356.

Submission:

Ambry Genetics
Classification: Pathogenic for Hereditary cancer-predisposing syndrome. Last evaluated: 2024-08-19. Review status: criteria provided, single submitter. Criteria: Ambry Variant Classification Scheme 2023. Collection method: clinical testing. Allele origin: germline.
Comment: The c.2579_2588del10 pathogenic mutation, located in coding exon 9 of the BRCA1 gene, results from a deletion of 10 nucleotides at nucleotide positions 2579 to 2588, causing a translational frameshift with a predicted alternate stop codon (p.T860Ifs*30). This variant is considered to be rare based on population cohorts in the Genome Aggregation Database (gnomAD). This alteration is expected to result in loss of function by premature protein truncation or nonsense-mediated mRNA decay. As such, this alteration is interpreted as a disease-causing mutation.